The following is an entry in ClinVar:

ClinVar aggregate classification (germline): Uncertain significance (1 of 4 stars; one submission).

Conditions:
Nance-Horan syndrome (NHS). Identifiers: Orphanet 627, MedGen C0796085, MONDO:0010545, OMIM 302350.

Submission:

Labcorp Genetics (formerly Invitae), Labcorp
Classification: Uncertain significance for Nance-Horan syndrome. Last evaluated: 2025-09-14. Review status: criteria provided, single submitter. Criteria: Invitae Variant Classification Sherloc (09022015). Collection method: clinical testing. Allele origin: germline.
Comment: This sequence change replaces proline, which is neutral and non-polar, with serine, which is neutral and polar, at codon 10 of the NHS protein (p.Pro10Ser). This variant is not present in population databases (gnomAD no frequency). This variant has not been reported in the literature in individuals affected with NHS-related conditions. An algorithm developed to predict the effect of missense changes on protein structure and function (PolyPhen-2) suggests that this variant is likely to be disruptive. In summary, the available evidence is currently insufficient to determine the role of this variant in disease. Therefore, it has been classified as a Variant of Uncertain Significance.

NM_001291867.2(NHS):c.28C>T (p.Pro10Ser)

Gene: NHS (NHS actin remodeling regulator; plus strand). Cytogenetic location: Xp22.2.
Variant type: single nucleotide variant.
Coding change: c.28C>T on transcript NM_001291867.2 (MANE Select); coding-DNA position 28, C replaced by T.
Protein change: p.Pro10Ser; replaces proline 10 with serine.
Molecular consequence: missense variant.
Genome position (GRCh38, 1-based): chrX:17,375,785, C>T. VCF-style: chrX-17375785-C-T. GRCh37 (hg19) VCF-style: chrX-17393908-C-T.
Other names: c.28C>T, p.Pro10Ser (NM_198270.4); short protein forms P10S.
Identifiers: ClinVar variation 4772472 (VCV004772472.1).
Genomic context (GRCh38, chrX:17,375,785, plus strand): 5'-GGAGACCAGAAAGTCGCCGCCTGGCTGCGCGGGATGCCTTTCGCCAAGCGGATCGTGGAG[C>T]CGCAATGGCTGTGCAGGCAGCGGCGCCCTGCGCCCGGCCCAGCAGTGGACGCGAGCGGAG-3'
Protein context (NP_001278796.1, residues 1-20): MPFAKRIVE[Pro10Ser]QWLCRQRRPA